The following is an entry in ClinVar:

NM_005612.5(REST):c.3152T>C (p.Leu1051Ser)

Gene: REST (RE1 silencing transcription factor; plus strand). Cytogenetic location: 4q12.
Variant type: single nucleotide variant.
Coding change: c.3152T>C on transcript NM_005612.5 (MANE Select); coding-DNA position 3152, T replaced by C.
Protein change: p.Leu1051Ser; replaces leucine 1051 with serine.
Molecular consequence: missense variant.
Genome position (GRCh38, 1-based): chr4:56,932,010, T>C. VCF-style: chr4-56932010-T-C. GRCh37 (hg19) VCF-style: chr4-57798176-T-C.
Other names: c.3152T>C, p.Leu1051Ser (NM_001193508.2, NM_001363453.3); short protein forms L1051S.
Identifiers: ClinVar variation 1408863 (VCV001408863.6), dbSNP rs2109579741, ClinGen allele CA357010323.

ClinVar aggregate classification (germline): Uncertain significance (1 of 4 stars; one submission).

Submission:

Labcorp Genetics (formerly Invitae), Labcorp
Classification: Uncertain significance. Last evaluated: 2022-08-09. Review status: criteria provided, single submitter. Criteria: Invitae Variant Classification Sherloc (09022015). Collection method: clinical testing. Allele origin: germline.
Comment: This sequence change replaces leucine, which is neutral and non-polar, with serine, which is neutral and polar, at codon 1051 of the REST protein (p.Leu1051Ser). In summary, the available evidence is currently insufficient to determine the role of this variant in disease. Therefore, it has been classified as a Variant of Uncertain Significance. Algorithms developed to predict the effect of missense changes on protein structure and function output the following: SIFT: "Tolerated"; PolyPhen-2: "Probably Damaging"; Align-GVGD: "Class C0". The serine amino acid residue is found in multiple mammalian species, which suggests that this missense change does not adversely affect protein function. ClinVar contains an entry for this variant (Variation ID: 1408863). This variant has not been reported in the literature in individuals affected with REST-related conditions. This variant is not present in population databases (gnomAD no frequency).